The following is an entry in ClinVar:

NM_001267550.2(TTN):c.84651C>T (p.Ser28217=)

Genes: TTN-AS1 (TTN antisense RNA 1; plus strand), TTN (titin; minus strand). Cytogenetic location: 2q31.2.
Variant type: single nucleotide variant.
Coding change: c.84651C>T on transcript NM_001267550.2 (MANE Select); coding-DNA position 84651, C replaced by T.
Protein change: p.Ser28217=; no amino-acid change (serine 28217 retained).
Molecular consequence: synonymous variant.
Genome position (GRCh38, 1-based): chr2:178,561,481, G>A on the plus strand (C>T on the coding strand, the complement: TTN is on the minus strand). VCF-style: chr2-178561481-G-A. GRCh37 (hg19) VCF-style: chr2-179426208-G-A.
Other names: c.79728C>T, p.Ser26576= (NM_001256850.1); c.57456C>T, p.Ser19152= (NM_003319.4); c.76947C>T, p.Ser25649= (NM_133378.4); c.57831C>T, p.Ser19277= (NM_133432.3); c.58032C>T, p.Ser19344= (NM_133437.4).
Identifiers: ClinVar variation 384909 (VCV000384909.10), dbSNP rs377667809, ClinGen allele CA1988753.

ClinVar aggregate classification (germline): Likely benign. Review status: criteria provided, multiple submitters, no conflicts (2 of 4 stars). 3 submissions from 3 submitters: Likely benign (3). Last evaluated 2025-12-09.

Conditions:
Cardiovascular phenotype. Identifiers: MedGen CN230736.
Dilated cardiomyopathy 1G (CMD1G). Identifiers: Orphanet 154, MedGen C1858763, MONDO:0011400, OMIM 604145.
Autosomal recessive limb-girdle muscular dystrophy type 2J (LGMDR10). Also called: Limb-girdle muscular dystrophy, type 2J; MUSCULAR DYSTROPHY, LIMB-GIRDLE, AUTOSOMAL RECESSIVE 10. Identifiers: Orphanet 140922, MedGen C1837342, MONDO:0012127, OMIM 608807.

Allele frequency attached by ClinVar (database versions not stated): ExAC 0.00001; gnomAD exomes 0.00001; gnomAD 0.00002; TOPMed 0.00002; ESP Exome Variant Server 0.00017.
gnomAD v4.1: 12 of 1,613,562 alleles (0.00074%); highest among the groups gnomAD compares: East Asian, 0.0022%; no homozygotes.

Submissions (3):

Labcorp Genetics (formerly Invitae), Labcorp
Classification: Likely benign for Dilated cardiomyopathy 1G; Autosomal recessive limb-girdle muscular dystrophy type 2J. Last evaluated: 2025-12-09. Review status: criteria provided, single submitter. Criteria: Invitae Variant Classification Sherloc (09022015). Collection method: clinical testing. Allele origin: germline.

Ambry Genetics
Classification: Likely benign for Cardiovascular phenotype. Last evaluated: 2024-10-08. Review status: criteria provided, single submitter. Criteria: Ambry Variant Classification Scheme 2023. Collection method: clinical testing. Allele origin: germline.

GeneDx
Classification: Likely benign. Last evaluated: 2016-03-17. Review status: criteria provided, single submitter. Criteria: GeneDx Variant Classification (06012015). Collection method: clinical testing. Allele origin: germline. Affected: yes.
Comment: This variant is considered likely benign or benign based on one or more of the following criteria: it is a conservative change, it occurs at a poorly conserved position in the protein, it is predicted to be benign by multiple in silico algorithms, and/or has population frequency not consistent with disease.